The following is an entry in ClinVar:

ClinVar aggregate classification (germline): Uncertain significance. Review status: criteria provided, multiple submitters, no conflicts (2 of 4 stars). 4 submissions from 4 submitters: Uncertain significance (4). Last evaluated 2026-08-11.

Conditions:
CDH23-related disorder. Also called: CDH23-related condition; CDH23-related disorders.
Inborn genetic diseases. Identifiers: MedGen C0950123, MeSH D030342.

Allele frequency attached by ClinVar (database versions not stated): gnomAD exomes 0.00002; TOPMed 0.00002; gnomAD 0.00003; ExAC 0.00006; ESP Exome Variant Server 0.00008.
gnomAD v4.1: 35 of 1,611,920 alleles (0.0022%); highest among the groups gnomAD compares: Middle Eastern, 0.016%; no homozygotes.

Submissions (4):

PreventionGenetics, part of Exact Sciences
Classification: Uncertain significance for CDH23-related condition. Last evaluated: 2026-08-11. Review status: criteria provided, single submitter. Criteria: ACMG Guidelines, 2015. Collection method: clinical testing. Allele origin: germline.
Comment: The CDH23 c.9760G>A variant is predicted to result in the amino acid substitution p.Glu3254Lys. To our knowledge, this variant has not been reported in the literature. This variant is reported in 0.0057% of alleles in individuals of Latino descent in gnomAD. At this time, the clinical significance of this variant is uncertain due to the absence of conclusive functional and genetic evidence.

Labcorp Genetics (formerly Invitae), Labcorp
Classification: Uncertain significance. Last evaluated: 2024-02-24. Review status: criteria provided, single submitter. Criteria: Invitae Variant Classification Sherloc (09022015). Collection method: clinical testing. Allele origin: germline.
Comment: This sequence change replaces glutamic acid, which is acidic and polar, with lysine, which is basic and polar, at codon 3254 of the CDH23 protein (p.Glu3254Lys). This variant is present in population databases (rs369713078, gnomAD 0.006%). This variant has not been reported in the literature in individuals affected with CDH23-related conditions. ClinVar contains an entry for this variant (Variation ID: 1517658). Advanced modeling of protein sequence and biophysical properties (such as structural, functional, and spatial information, amino acid conservation, physicochemical variation, residue mobility, and thermodynamic stability) performed at Invitae indicates that this missense variant is not expected to disrupt CDH23 protein function with a negative predictive value of 95%. In summary, the available evidence is currently insufficient to determine the role of this variant in disease. Therefore, it has been classified as a Variant of Uncertain Significance.

GeneDx
Classification: Uncertain significance. Last evaluated: 2024-02-20. Review status: criteria provided, single submitter. Criteria: GeneDx Variant Classification Process June 2021. Collection method: clinical testing. Allele origin: germline. Affected: yes.
Comment: Not observed at significant frequency in large population cohorts (gnomAD); In silico analysis supports that this missense variant does not alter protein structure/function; Has not been previously published as pathogenic or benign to our knowledge

Ambry Genetics
Classification: Uncertain significance for Inborn genetic diseases. Last evaluated: 2021-09-16. Review status: criteria provided, single submitter. Criteria: Ambry Variant Classification Scheme 2023. Collection method: clinical testing. Allele origin: germline.

NM_022124.6(CDH23):c.9760G>A (p.Glu3254Lys)

Gene: CDH23 (cadherin related 23; plus strand). Cytogenetic location: 10q22.1.
Variant type: single nucleotide variant.
Coding change: c.9760G>A on transcript NM_022124.6 (MANE Select); coding-DNA position 9760, G replaced by A.
Protein change: p.Glu3254Lys; replaces glutamic acid 3254 with lysine.
Molecular consequence: missense variant.
Genome position (GRCh38, 1-based): chr10:71,814,973, G>A. VCF-style: chr10-71814973-G-A. GRCh37 (hg19) VCF-style: chr10-73574730-G-A.
Other names: c.9760G>A (NM_022124.5); c.3040G>A, p.Glu1014Lys (NM_001171933.1); c.2935G>A, p.Glu979Lys (NM_001171934.1); c.451G>A, p.Glu151Lys (NM_001171935.1); c.346G>A, p.Glu116Lys (NM_001171936.1); short protein forms E3254K, E1014K, E151K, E116K, E979K.
Identifiers: ClinVar variation 1517658 (VCV001517658.8), dbSNP rs369713078, ClinGen allele CA5547176.